The following is an entry in ClinVar:

NM_182641.4(BPTF):c.2488G>T (p.Ala830Ser)

Gene: BPTF (bromodomain PHD finger transcription factor; plus strand). Cytogenetic location: 17q24.2.
Variant type: single nucleotide variant.
Coding change: c.2488G>T on transcript NM_182641.4 (MANE Select); coding-DNA position 2488, G replaced by T.
Protein change: p.Ala830Ser; replaces alanine 830 with serine.
Molecular consequence: missense variant.
Genome position (GRCh38, 1-based): chr17:67,894,110, G>T. VCF-style: chr17-67894110-G-T. GRCh37 (hg19) VCF-style: chr17-65890226-G-T.
Other names: c.2866G>T, p.Ala956Ser (NM_004459.7); short protein forms A830S, A956S.
Identifiers: ClinVar variation 2118459 (VCV002118459.4), dbSNP rs2510982082, ClinGen allele CA400719433.

ClinVar aggregate classification (germline): Uncertain significance (1 of 4 stars; one submission).

Submission:

Labcorp Genetics (formerly Invitae), Labcorp
Classification: Uncertain significance. Last evaluated: 2025-11-03. Review status: criteria provided, single submitter. Criteria: Invitae Variant Classification Sherloc (09022015). Collection method: clinical testing. Allele origin: germline.
Comment: This sequence change replaces alanine, which is neutral and non-polar, with serine, which is neutral and polar, at codon 956 of the BPTF protein (p.Ala956Ser). This variant is not present in population databases (gnomAD no frequency). This variant has not been reported in the literature in individuals affected with BPTF-related conditions. ClinVar contains an entry for this variant (Variation ID: 2118459). An algorithm developed to predict the effect of missense changes on protein structure and function (PolyPhen-2) suggests that this variant is likely to be disruptive. In summary, the available evidence is currently insufficient to determine the role of this variant in disease. Therefore, it has been classified as a Variant of Uncertain Significance.